The following is an entry in ClinVar:

ClinVar aggregate classification (germline): Uncertain significance (1 of 4 stars; one submission).

Conditions:
Retinitis pigmentosa 12 (RP12). Also called: RP WITH OR WITHOUT PRESERVED PARAARTERIOLE RETINAL PIGMENT EPITHELIUM; RETINITIS PIGMENTOSA WITH OR WITHOUT PARAARTERIOLAR PRESERVATION OF RETINAL PIGMENT EPITHELIUM; RP WITH OR WITHOUT PPRPE. Identifiers: Orphanet 791, MedGen C1838647, MONDO:0010818, OMIM 600105.
Leber congenital amaurosis 8 (LCA8). Identifiers: Orphanet 65, MedGen C3151202, MONDO:0013453, OMIM 613835.

Submission:

Labcorp Genetics (formerly Invitae), Labcorp
Classification: Uncertain significance for Leber congenital amaurosis 8; Retinitis pigmentosa 12. Last evaluated: 2022-08-05. Review status: criteria provided, single submitter. Criteria: Invitae Variant Classification Sherloc (09022015). Collection method: clinical testing. Allele origin: germline.
Comment: In summary, the available evidence is currently insufficient to determine the role of this variant in disease. Therefore, it has been classified as a Variant of Uncertain Significance. Algorithms developed to predict the effect of sequence changes on RNA splicing suggest that this variant may disrupt the consensus splice site. Advanced modeling of protein sequence and biophysical properties (such as structural, functional, and spatial information, amino acid conservation, physicochemical variation, residue mobility, and thermodynamic stability) performed at Invitae indicates that this missense variant is expected to disrupt CRB1 protein function. This variant has not been reported in the literature in individuals affected with CRB1-related conditions. This variant is not present in population databases (gnomAD no frequency). This sequence change replaces cysteine, which is neutral and slightly polar, with tryptophan, which is neutral and slightly polar, at codon 928 of the CRB1 protein (p.Cys928Trp).

NM_201253.3(CRB1):c.2784T>G (p.Cys928Trp)

Gene: CRB1 (crumbs cell polarity complex component 1; plus strand). Cytogenetic location: 1q31.3.
Variant type: single nucleotide variant.
Coding change: c.2784T>G on transcript NM_201253.3 (MANE Select); coding-DNA position 2784, T replaced by G.
Protein change: p.Cys928Trp; replaces cysteine 928 with tryptophan.
Molecular consequence: missense variant. On other transcripts: non-coding transcript variant (2), intron variant (1).
Genome position (GRCh38, 1-based): chr1:197,429,556, T>G. VCF-style: chr1-197429556-T-G. GRCh37 (hg19) VCF-style: chr1-197398686-T-G.
Other names: c.2448T>G, p.Cys816Trp (NM_001193640.2); c.2712T>G, p.Cys904Trp (NM_001257965.2); c.2129-6044T>G (NM_001257966.2); short protein forms C928W, C816W, C904W.
Identifiers: ClinVar variation 2084873 (VCV002084873.4), dbSNP rs2528166165, ClinGen allele CA344041123.